The following is an entry in ClinVar:

ClinVar aggregate classification (germline): Benign. Review status: criteria provided, multiple submitters, no conflicts (2 of 4 stars). 2 submissions from 2 submitters: Benign (2). Last evaluated 2016-03-28.

Allele frequency attached by ClinVar (database versions not stated): 1000 Genomes Project 0.03554; 1000 Genomes Project 30x 0.03607; TOPMed 0.05775; gnomAD 0.06040 and 0.06123; gnomAD exomes 0.06096; ExAC 0.06176; ESP Exome Variant Server 0.06766.
gnomAD v4.1: 115,516 of 1,613,704 alleles (7.2%); highest among the groups gnomAD compares: Middle Eastern, 8.3%; 4,578 homozygotes.

Submissions (2):

Laboratory for Molecular Medicine, Mass General Brigham Personalized Medicine
Classification: Benign. Last evaluated: 2016-03-28. Review status: criteria provided, single submitter. Criteria: LMM Criteria. Collection method: clinical testing. Allele origin: germline.
Comment: Variant identified in a genome or exome case(s) and assessed due to predicted null impact of the variant or pathogenic assertions in the literature or databases. Disclaimer: This variant has not undergone full assessment. The following are preliminary notes: MAF

Breakthrough Genomics
Classification: Benign. Review status: criteria provided, single submitter. Criteria: ACMG Guidelines, 2015. Collection method: not provided. Allele origin: germline. Inheritance: Unknown mechanism. Affected: yes.

NM_002654.6(PKM):c.438C>T (p.Asn146=)

Gene: PKM (pyruvate kinase M1/2; minus strand). Cytogenetic location: 15q23.
Variant type: single nucleotide variant.
Coding change: c.438C>T on transcript NM_002654.6 (MANE Select); coding-DNA position 438, C replaced by T.
Protein change: p.Asn146=; no amino-acid change (asparagine 146 retained).
Molecular consequence: synonymous variant.
Genome position (GRCh38, 1-based): chr15:72,209,800, G>A on the plus strand (C>T on the coding strand, the complement: PKM is on the minus strand). VCF-style: chr15-72209800-G-A. GRCh37 (hg19) VCF-style: chr15-72502141-G-A.
Other names: c.660C>T, p.Asn220= (NM_001206796.3); c.216C>T, p.Asn72= (NM_001206797.3); c.393C>T, p.Asn131= (NM_001206798.3); c.453C>T, p.Asn151= (NM_001206799.2); c.543C>T, p.Asn181= (NM_001316318.2); c.438C>T, p.Asn146= (NM_182470.4, NM_182471.4).
Identifiers: ClinVar variation 403311 (VCV000403311.5), dbSNP rs10514, ClinGen allele CA7643413.